The following is an entry in ClinVar:

NM_006767.4(LZTR1):c.2168T>G (p.Met723Arg)

Gene: LZTR1 (leucine zipper like post translational regulator 1; plus strand). Cytogenetic location: 22q11.21.
Variant type: single nucleotide variant.
Coding change: c.2168T>G on transcript NM_006767.4 (MANE Select); coding-DNA position 2168, T replaced by G.
Protein change: p.Met723Arg; replaces methionine 723 with arginine.
Molecular consequence: missense variant.
Genome position (GRCh38, 1-based): chr22:20,996,061, T>G. VCF-style: chr22-20996061-T-G. GRCh37 (hg19) VCF-style: chr22-21350350-T-G.
Other names: short protein forms M723R.
Identifiers: ClinVar variation 4755114 (VCV004755114.1).

ClinVar aggregate classification (germline): Uncertain significance (1 of 4 stars; one submission).

Submission:

Labcorp Genetics (formerly Invitae), Labcorp
Classification: Uncertain significance. Last evaluated: 2025-04-23. Review status: criteria provided, single submitter. Criteria: Invitae Variant Classification Sherloc (09022015). Collection method: clinical testing. Allele origin: germline.
Comment: This sequence change replaces methionine, which is neutral and non-polar, with arginine, which is basic and polar, at codon 723 of the LZTR1 protein (p.Met723Arg). This variant is not present in population databases (gnomAD no frequency). This variant has not been reported in the literature in individuals affected with LZTR1-related conditions. Invitae Evidence Modeling of protein sequence and biophysical properties (such as structural, functional, and spatial information, amino acid conservation, physicochemical variation, residue mobility, and thermodynamic stability) indicates that this missense variant is not expected to disrupt LZTR1 protein function with a negative predictive value of 80%. In summary, the available evidence is currently insufficient to determine the role of this variant in disease. Therefore, it has been classified as a Variant of Uncertain Significance.